The following is an entry in ClinVar:

ClinVar aggregate classification (germline): Conflicting classifications of pathogenicity. Review status: criteria provided, conflicting classifications (1 of 4 stars). 6 submissions from 6 submitters: Uncertain significance (4); Likely benign (1). 1 of the submissions does not count toward it. Last evaluated 2025-11-16.

Conditions:
Hereditary cancer-predisposing syndrome. Also called: Tumor predisposition; Neoplastic Syndromes, Hereditary; Hereditary Cancer Syndrome; Hereditary neoplastic syndrome. Identifiers: Orphanet 140162, MedGen C0027672, MeSH D009386, MONDO:0015356.
Hereditary breast ovarian cancer syndrome. Also called: Hereditary breast and ovarian cancer syndrome (HBOC); Hereditary breast and ovarian cancer syndrome; Hereditary breast and ovarian cancer; Hereditary breast and/or ovarian cancer syndrome; Breast and ovarian cancer; BRCA1- and BRCA2-Associated Hereditary Breast and Ovarian Cancer. Identifiers: Orphanet 145, MedGen C0677776, MeSH D061325, MONDO:0003582. Disease mechanism: loss of function.
Breast-ovarian cancer, familial, susceptibility to, 1 (BROVCA1). Also called: OVARIAN CANCER, SUSCEPTIBILITY TO; BRCA1 Hereditary Breast and Ovarian Cancer. Identifiers: Orphanet 145, MedGen C2676676, MONDO:0011450, OMIM 604370. Disease mechanism: loss of function.

Allele frequency attached by ClinVar (database versions not stated): gnomAD exomes below 0.00001; TOPMed 0.00001.

Submissions (6):

Ambry Genetics
Classification: Uncertain significance for Hereditary cancer-predisposing syndrome. Last evaluated: 2025-11-16. Review status: criteria provided, single submitter. Criteria: Ambry Variant Classification Scheme 2023. Collection method: clinical testing. Allele origin: germline.
Comment: The p.S590G variant (also known as c.1768A>G), located in coding exon 9 of the BRCA1 gene, results from an A to G substitution at nucleotide position 1768. The serine at codon 590 is replaced by glycine, an amino acid with similar properties. This amino acid position is well conserved in available vertebrate species. In addition, the in silico prediction for this alteration is inconclusive. Since supporting evidence is limited at this time, the clinical significance of this alteration remains unclear.

Labcorp Genetics (formerly Invitae), Labcorp
Classification: Uncertain significance for Hereditary breast ovarian cancer syndrome. Last evaluated: 2025-05-04. Review status: criteria provided, single submitter. Criteria: Invitae Variant Classification Sherloc (09022015). Collection method: clinical testing. Allele origin: germline.
Comment: This sequence change replaces serine, which is neutral and polar, with glycine, which is neutral and non-polar, at codon 590 of the BRCA1 protein (p.Ser590Gly). This variant is not present in population databases (gnomAD no frequency). This variant has not been reported in the literature in individuals affected with BRCA1-related conditions. ClinVar contains an entry for this variant (Variation ID: 54344). Invitae Evidence Modeling of protein sequence and biophysical properties (such as structural, functional, and spatial information, amino acid conservation, physicochemical variation, residue mobility, and thermodynamic stability) indicates that this missense variant is expected to disrupt BRCA1 protein function with a positive predictive value of 80%. In summary, the available evidence is currently insufficient to determine the role of this variant in disease. Therefore, it has been classified as a Variant of Uncertain Significance.

All of Us Research Program, National Institutes of Health
Classification: Uncertain significance for Breast-ovarian cancer, familial, susceptibility to, 1. Last evaluated: 2023-06-26. Review status: criteria provided, single submitter. Criteria: ACMG Guidelines, 2015. Collection method: clinical testing. Allele origin: germline. Inheritance: Autosomal dominant inheritance. Observed: 1 variant allele, 1 heterozygote.
Comment: This missense variant replaces serine with glycine at codon 590 of the BRCA1 protein. Computational prediction is inconclusive regarding the impact of this variant on protein structure and function (internally defined REVEL score threshold 0.5 < inconclusive < 0.7, PMID: 27666373). To our knowledge, functional studies have not been reported for this variant. This variant has been reported in a multifactorial analysis with likelihood ratios for pathogenicity based on co-occurrence with a pathogenic covariant and family history of 1.0331 and 1.5378, respectively (PMID: 31131967). This variant has not been identified in the general population by the Genome Aggregation Database (gnomAD). The available evidence is insufficient to determine the role of this variant in disease conclusively. Therefore, this variant is classified as a Variant of Uncertain Significance.

This study involves interpretation of variants in research participants for the purpose of population health screening. Participant phenotype was not available at the time of variant classification. Additional details can be found in publication PMID: 35346344, PMCID: PMC8962531

Color Diagnostics, LLC DBA Color Health
Classification: Uncertain significance for Hereditary cancer-predisposing syndrome. Last evaluated: 2023-06-08. Review status: criteria provided, single submitter. Criteria: ACMG Guidelines, 2015. Collection method: clinical testing. Allele origin: germline.
Comment: This missense variant replaces serine with glycine at codon 590 of the BRCA1 protein. Computational prediction is inconclusive regarding the impact of this variant on protein structure and function (internally defined REVEL score threshold 0.5 < inconclusive < 0.7, PMID: 27666373). To our knowledge, functional studies have not been reported for this variant. This variant has been reported in a multifactorial analysis with likelihood ratios for pathogenicity based on co-occurrence with a pathogenic covariant and family history of 1.0331 and 1.5378, respectively (PMID: 31131967). This variant has not been identified in the general population by the Genome Aggregation Database (gnomAD). The available evidence is insufficient to determine the role of this variant in disease conclusively. Therefore, this variant is classified as a Variant of Uncertain Significance.

University of Washington Department of Laboratory Medicine, University of Washington
Classification: Likely benign for Hereditary cancer-predisposing syndrome. Last evaluated: 2023-03-23. Review status: criteria provided, single submitter. Criteria: Dines et al. (Genet Med. 2020). Collection method: curation. Allele origin: germline.
Comment: Missense variant in a coldspot region where missense variants are very unlikely to be pathogenic (PMID:31911673).

BRCA1 coldspot (exon 11 using historical exon numbering). Reclassification based on statistical prior probability

Breast Cancer Information Core (BIC) (BRCA1)
Classification: Uncertain significance for Breast-ovarian cancer, familial 1. Last evaluated: 2004-02-20. Review status: no assertion criteria provided. Collection method: clinical testing. Allele origin: germline. Affected: yes. Observed: 1 variant allele. Not counted in ClinVar's aggregate classification.

Literature cited by the submitters: PubMed 31131967 (cited by All of Us Research Program, National Institutes of Health and Color Diagnostics, LLC DBA Color Health).

NM_007294.4(BRCA1):c.1768A>G (p.Ser590Gly)

Gene: BRCA1 (BRCA1 DNA repair associated; minus strand). Cytogenetic location: 17q21.31.
Variant type: single nucleotide variant.
Coding change: c.1768A>G on transcript NM_007294.4 (MANE Select); coding-DNA position 1768, A replaced by G.
Protein change: p.Ser590Gly; replaces serine 590 with glycine.
Molecular consequence: missense variant. On other transcripts: intron variant (137).
Genome position (GRCh38, 1-based): chr17:43,093,763, T>C on the plus strand (A>G on the coding strand, the complement: BRCA1 is on the minus strand). VCF-style: chr17-43093763-T-C. GRCh37 (hg19) VCF-style: chr17-41245780-T-C.
Other names: c.1555A>G, p.Ser519Gly (NM_001407571.1, NM_001407853.1, NM_001407894.1 and 9 more transcripts); c.1768A>G, p.Ser590Gly (NM_001407581.1, NM_001407582.1, NM_001407583.1 and 30 more transcripts); c.1765A>G, p.Ser589Gly (NM_001407587.1, NM_001407590.1, NM_001407591.1 and 22 more transcripts); c.1759A>G, p.Ser587Gly (NM_001407646.1, NM_001407647.1); c.1645A>G, p.Ser549Gly (NM_001407648.1, NM_001407664.1, NM_001407665.1 and 19 more transcripts); c.1642A>G, p.Ser548Gly (NM_001407649.1, NM_001407670.1, NM_001407671.1 and 11 more transcripts); c.1690A>G, p.Ser564Gly (NM_001407653.1, NM_001407654.1, NM_001407655.1 and 4 more transcripts); c.1687A>G, p.Ser563Gly (NM_001407659.1, NM_001407660.1, NM_001407661.1 and 1 more transcripts); and 40 more; short protein forms S590G, S543G, S462G, S478G, S479G, S542G, S589G, S422G.
Identifiers: ClinVar variation 54344 (VCV000054344.26), dbSNP rs80357454, ClinGen allele CA001151.
Genomic context (GRCh38, chr17:43,093,763, plus strand): 5'-TATTCTTTTTAGGTGCTTTTGAATTGTGGATATTTAATTCGAGTTCCATATTGCTTATAC[T>C]GCTGCTTATAGGTTCAGCTTTCGTTTTGAAAGCAGATTCTTTTTCGAGTGATTCTATTGG-3'
Protein context (NP_009225.1, residues 580-600): FKTKAEPISS[Ser590Gly]ISNMELELNI